The following is an entry in ClinVar:

NM_005557.4(KRT16):c.199G>A (p.Gly67Ser)

Gene: KRT16 (keratin 16; minus strand). Cytogenetic location: 17q21.2.
Variant type: single nucleotide variant.
Coding change: c.199G>A on transcript NM_005557.4 (MANE Select); coding-DNA position 199, G replaced by A.
Protein change: p.Gly67Ser; replaces glycine 67 with serine.
Molecular consequence: missense variant.
Genome position (GRCh38, 1-based): chr17:41,612,490, C>T on the plus strand (G>A on the coding strand, the complement: KRT16 is on the minus strand). VCF-style: chr17-41612490-C-T. GRCh37 (hg19) VCF-style: chr17-39768742-C-T.
Other names: short protein forms G67S.
Identifiers: ClinVar variation 779366 (VCV000779366.37), dbSNP rs62066634, ClinGen allele CA8563320.

ClinVar aggregate classification (germline): Benign/Likely benign. Review status: criteria provided, multiple submitters, no conflicts (2 of 4 stars). 4 submissions from 4 submitters: Benign (3); Likely benign (1). Last evaluated 2026-01-15.

Allele frequency attached by ClinVar (database versions not stated): 1000 Genomes Project 0.00160; 1000 Genomes Project 30x 0.00172; gnomAD exomes 0.00450; ESP Exome Variant Server 0.00457; TOPMed 0.00467; ExAC 0.00655.
gnomAD v4.1: 9,583 of 1,608,212 alleles (0.6%); highest among the groups gnomAD compares: Non-Finnish European, 0.73%; 34 homozygotes.

Submissions (4):

Labcorp Genetics (formerly Invitae), Labcorp
Classification: Benign. Last evaluated: 2026-01-15. Review status: criteria provided, single submitter. Criteria: Invitae Variant Classification Sherloc (09022015). Collection method: clinical testing. Allele origin: germline.

CeGaT Center for Human Genetics Tuebingen
Classification: Likely benign. Last evaluated: 2025-09-01. Review status: criteria provided, single submitter. Criteria: CeGaT Center For Human Genetics Tuebingen Variant Classification Criteria Version 2. Collection method: clinical testing. Allele origin: germline. Affected: yes. Observed: 4 variant alleles.
Comment: KRT16: BP4, BS2

GeneDx
Classification: Benign. Last evaluated: 2015-03-03. Review status: criteria provided, single submitter. Criteria: GeneDx Variant Classification Process June 2021. Collection method: clinical testing. Allele origin: germline. Affected: yes.

Breakthrough Genomics
Classification: Benign. Review status: criteria provided, single submitter. Criteria: ACMG Guidelines, 2015. Collection method: not provided. Allele origin: germline. Inheritance: Autosomal dominant inheritance. Affected: yes.